The following is an entry in ClinVar:

ClinVar aggregate classification (germline): Pathogenic/Likely pathogenic. Review status: criteria provided, multiple submitters, no conflicts (2 of 4 stars). 14 submissions from 14 submitters: Pathogenic (11); Likely pathogenic (1). 2 of the submissions do not count toward it. Last evaluated 2026-05-20.

Conditions:
Deficiency of adenosine deaminase 2. Also called: Adenosine Deaminase 2 Deficiency; VASCULITIS, AUTOINFLAMMATION, IMMUNODEFICIENCY, AND HEMATOLOGIC DEFECTS SYNDROME; Polyarteritis nodosa, childhoood-onset. Identifiers: Orphanet 404553, MedGen C3887654, MONDO:0014306, OMIM 615688, MONDO:0100317.
Sneddon syndrome (SNDNS). Also called: LIVEDO RETICULARIS AND CEREBROVASCULAR ACCIDENTS; Idiopathic livedo reticularis with systemic involvement. Identifiers: Orphanet 820, MedGen C0282492, MONDO:0008436, OMIM 182410.
ADA2-related disorder. Also called: ADA2-related condition.

Allele frequency attached by ClinVar (database versions not stated): gnomAD 0.00004; ExAC 0.00003; ESP Exome Variant Server 0.00008; 1000 Genomes Project 30x 0.00016; 1000 Genomes Project 0.00020; gnomAD exomes 0.00004; TOPMed 0.00004.
gnomAD v4.1: 56 of 1,611,108 alleles (0.0035%); highest among the groups gnomAD compares: Admixed American, 0.0067%; no homozygotes.

Submissions (14):

PreventionGenetics, part of Exact Sciences
Classification: Pathogenic for ADA2-related condition. Last evaluated: 2026-05-20. Review status: criteria provided, single submitter. Criteria: ACMG Guidelines, 2015. Collection method: clinical testing. Allele origin: germline.
Comment: The ADA2 c.752C>T variant is predicted to result in the amino acid substitution p.Pro251Leu. This variant has been reported in the compound heterozygous and homozygous state in individuals with ADA2 deficiency (Family F, Navon Elkan et al. 2014. PubMed ID: 24552285; Table 1, Nanthapisal et al. 2016. PubMed ID: 27059682; Table 1, Caorsi et al. 2017. PubMed ID: 28522451; Günthner et al. 2018. PubMed ID: 29391272). This variant is reported in 0.0080% of alleles in individuals of African descent in gnomAD. This variant is interpreted as pathogenic.

Labcorp Genetics (formerly Invitae), Labcorp
Classification: Pathogenic for Deficiency of adenosine deaminase 2. Last evaluated: 2026-02-01. Review status: criteria provided, single submitter. Criteria: Invitae Variant Classification Sherloc (09022015). Collection method: clinical testing. Allele origin: germline.
Comment: This sequence change replaces proline, which is neutral and non-polar, with leucine, which is neutral and non-polar, at codon 251 of the ADA2 protein (p.Pro251Leu). This variant is present in population databases (rs148936893, gnomAD 0.008%). This missense change has been observed in individual(s) with deficiency of adenosine deaminase 2 or polyarteritis nodosa (PMID: 24552285, 27059682, 28522451). In at least one individual the data is consistent with being in trans (on the opposite chromosome) from a pathogenic variant. It has also been observed to segregate with disease in related individuals. ClinVar contains an entry for this variant (Variation ID: 120305). An algorithm developed to predict the effect of missense changes on protein structure and function outputs the following: PolyPhen-2: "Benign". The leucine amino acid residue is found in multiple mammalian species, which suggests that this missense change does not adversely affect protein function. Experimental studies have shown that this missense change affects ADA2 function (PMID: 24552285). For these reasons, this variant has been classified as Pathogenic.

CeGaT Center for Human Genetics Tuebingen
Classification: Pathogenic. Last evaluated: 2026-01-01. Review status: criteria provided, single submitter. Criteria: CeGaT Center For Human Genetics Tuebingen Variant Classification Criteria Version 2. Collection method: clinical testing. Allele origin: germline. Affected: yes. Observed: 1 variant allele.
Comment: ADA2: PM3:Very Strong, PP1:Strong, PM2, PS3:Supporting

3billion
Classification: Pathogenic for Deficiency of adenosine deaminase 2. Last evaluated: 2025-03-31. Review status: criteria provided, single submitter. Criteria: ACMG Guidelines, 2015. Collection method: clinical testing. Allele origin: germline. Affected: yes.
Comment: The variant is observed at an extremely low frequency in the gnomAD v4.1.0 dataset (total allele frequency: 0.003%). Predicted Consequence/Location: Missense variant. The variant was homozygous. Functional studies provide moderate evidence of the variant having a damaging effect on the gene or gene product (PMID: 24552285). In silico tool predictions suggest damaging effect of the variant on gene or gene product [REVEL: 0.74 (>=0.6, sensitivity 0.68 and specificity 0.92); 3Cnet: 0.99 (> 0.75, sensitivity 0.96 and precision 0.92)]. The same nucleotide change resulting in the same amino acid change has been previously reported as pathogenic/likely pathogenic with strong evidence (ClinVar ID: VCV000120305 / PMID: 24552285). Therefore, this variant is classified as Pathogenic according to the recommendation of ACMG/AMP guideline.

Fulgent Genetics
Classification: Likely pathogenic for Sneddon syndrome; Deficiency of adenosine deaminase 2. Last evaluated: 2024-03-14. Review status: criteria provided, single submitter. Criteria: ACMG Guidelines, 2015. Collection method: clinical testing. Allele origin: germline.

GeneDx
Classification: Pathogenic. Last evaluated: 2023-12-06. Review status: criteria provided, single submitter. Criteria: GeneDx Variant Classification Process June 2021. Collection method: clinical testing. Allele origin: germline. Affected: yes.
Comment: Published functional studies demonstrate a damaging effect on secretion of the protein (PMID: 24552285); In silico analysis supports that this missense variant has a deleterious effect on protein structure/function; This variant is associated with the following publications: (PMID: 28522451, 29736678, 30645994, 29391272, 33529688, 31664448, 34004258, 28750028, 34905135, 24552285, 27059682)

Clinical Genetics Laboratory, Skane University Hospital Lund
Classification: Pathogenic. Last evaluated: 2023-07-13. Review status: criteria provided, single submitter. Criteria: ACMG Guidelines, 2015. Collection method: clinical testing. Allele origin: germline. Affected: yes.

Victorian Clinical Genetics Services, Murdoch Childrens Research Institute
Classification: Pathogenic for Deficiency of adenosine deaminase 2. Last evaluated: 2022-02-02. Review status: criteria provided, single submitter. Criteria: ACMG Guidelines, 2015. Collection method: clinical testing. Allele origin: germline. Inheritance: Autosomal recessive inheritance. Affected: yes.
Comment: Based on the classification scheme VCGS_Germline_v1.3.4, this variant is classified as Pathogenic. Following criteria are met: 0102 - Loss of function is a known mechanism of disease in this gene and is associated with vasculitis due to ADA2 deficiency (MONDO:0014306). (I) 0106 - This gene is associated with autosomal recessive disease. (I) 0115 - Variants in this gene are known to have variable expressivity. Significant phenotypic variability within families has been noted, with some asymptomatic individuals reported despite low enzyme levels (PMID: 27059682, 24552285). (I) 0200 - Variant is predicted to result in a missense amino acid change from proline to leucine. (I) 0251 - This variant is heterozygous. (I) 0304 - Variant is present in gnomAD (v2) <0.01 for a recessive condition (10 heterozygotes, 0 homozygotes). (SP) 0502 - Missense variant with conflicting in silico predictions and uninformative conservation. (I) 0600 - Variant is located in the annotated adenosine deaminase domain (Pfam). (I) 0801 - This variant has strong previous evidence of pathogenicity in unrelated individuals. This variant has been reported in the homozygous and compound heterozygous state in multiple individuals with ADA2 deficiency in ClinVar and the literature (PMID: 27059682, 24552285, 28522451, 33529688). The phenotypes reported in these individuals were variable and included skin manifestations, immunodeficiency, neuropathy, and stroke; a few were asymptomatic. (SP) 0901 - This variant has strong evidence for segregation with disease. This variant segregated with disease in 4 affected siblings in the same family; the single unaffected sibling did not carry the variant (PMID: 24552285). (SP) 1001 - This variant has strong functional evidence supporting abnormal protein function. Multiple independent studies show that this variant results in reduced enzyme secretion and activity (PMID: 24552285, 28522451, 33529688). (I) Legend: (SP) - Supporting pathogenic, (I) - Information, (SB) - Supporting benign

Revvity Omics, Revvity
Classification: Pathogenic. Last evaluated: 2021-03-10. Review status: criteria provided, single submitter. Criteria: ACMG Guidelines, 2015. Collection method: clinical testing. Allele origin: germline.

Institute of Human Genetics Munich, TUM University Hospital
Classification: Pathogenic for Deficiency of adenosine deaminase 2. Last evaluated: 2018-01-25. Review status: criteria provided, single submitter. Criteria: Classification criteria August 2017. Collection method: clinical testing. Allele origin: paternal. Inheritance: Autosomal recessive inheritance. Affected: yes. Observed: 1 compound heterozygote.

Clinical Genetics Service, Universitary Hospital 12 de Octubre
Classification: Pathogenic for Sneddon syndrome. Review status: criteria provided, single submitter. Criteria: ACMG Guidelines, 2015. Collection method: clinical testing. Allele origin: germline. Affected: yes.

Neuberg Centre For Genomic Medicine, NCGM
Classification: Pathogenic for Deficiency of adenosine deaminase 2. Review status: criteria provided, single submitter. Criteria: ACMG Guidelines, 2015. Collection method: clinical testing. Allele origin: germline. Inheritance: Autosomal recessive inheritance. Affected: yes.
Comment: The ADA2 c.752C>T (p.P251L) variant has been reported in heterozygous state in individuals affected with Vasculitis, autoinflammation, immunodeficiency, and hematologic defects syndrome (Zhou et al., 2014). This variant has been reported to affect ADA2 protein function (Navon Elkan et al. 2014). This variant is present in population databases (ExAC 0.01%).This variant has been submitted to ClinVar as Pathogenic. This sequence change replaces proline with leucine at codon 251 of the ADA2 protein (p.Pro251Leu). The proline residue is highly conserved and there is a moderate physicochemical difference between proline and leucine. For these reasons, this variant has been classified as Pathogenic.

OMIM
Classification: Pathogenic for VASCULITIS, AUTOINFLAMMATION, IMMUNODEFICIENCY, AND HEMATOLOGIC DEFECTS SYNDROME. Last evaluated: 2014-03-06. Review status: no assertion criteria provided. Collection method: literature only. Allele origin: germline. Not counted in ClinVar's aggregate classification.

GeneReviews
No classification provided. Condition: Deficiency of adenosine deaminase 2. Review status: no classification provided. Collection method: literature only. Allele origin: germline. Not counted in ClinVar's aggregate classification.

Literature cited by the submitters: PubMed 24552285 (cited by 4 submitters); PubMed 27059682 (cited by 3 submitters); PubMed 28522451 (cited by Labcorp Genetics (formerly Invitae), Labcorp and Victorian Clinical Genetics Services, Murdoch Childrens Research Institute); PubMed 33529688 (cited by Victorian Clinical Genetics Services, Murdoch Childrens Research Institute); PubMed 31393689 (cited by GeneReviews).

NM_001282225.2(ADA2):c.752C>T (p.Pro251Leu)

Gene: ADA2 (adenosine deaminase 2; minus strand). Cytogenetic location: 22q11.1.
Variant type: single nucleotide variant.
Coding change: c.752C>T on transcript NM_001282225.2 (MANE Select); coding-DNA position 752, C replaced by T.
Protein change: p.Pro251Leu; replaces proline 251 with leucine.
Molecular consequence: missense variant.
Genome position (GRCh38, 1-based): chr22:17,203,564, G>A on the plus strand (C>T on the coding strand, the complement: ADA2 is on the minus strand). VCF-style: chr22-17203564-G-A. GRCh37 (hg19) VCF-style: chr22-17684454-G-A.
Other names: c.752C>T, p.Pro251Leu (NM_001282226.2); c.626C>T, p.Pro209Leu (NM_001282227.2, NM_001282228.2); c.392C>T, p.Pro131Leu (NM_001282229.2); short protein forms P251L, P209L, P131L.
Identifiers: ClinVar variation 120305 (VCV000120305.32), dbSNP rs148936893, ClinGen allele CA150812.